The following is an entry in ClinVar:

ClinVar aggregate classification (germline): Uncertain significance (1 of 4 stars; one submission).

Conditions:
Transcobalamin II deficiency (TCN2D). Also called: Transcolabamin II deficiency; TC II DEFICIENCY; TCN2 DEFICIENCY. Identifiers: Orphanet 859, MedGen C0342701, MONDO:0010149, OMIM 275350.

Submission:

Labcorp Genetics (formerly Invitae), Labcorp
Classification: Uncertain significance for Transcobalamin II deficiency. Last evaluated: 2025-05-27. Review status: criteria provided, single submitter. Criteria: Invitae Variant Classification Sherloc (09022015). Collection method: clinical testing. Allele origin: germline.
Comment: This sequence change replaces alanine with phenylalanine at codon 16 of the TCN2 protein (p.Ala16Phe). The alanine residue is moderately conserved and there is a moderate physicochemical difference between alanine and phenylalanine. Information on the frequency of this variant in the gnomAD database is not available, as this variant may be reported differently in the database. This variant has not been reported in the literature in individuals affected with TCN2-related conditions. ClinVar contains an entry for this variant (Variation ID: 1365891). An algorithm developed to predict the effect of missense changes on protein structure and function (PolyPhen-2) suggests that this variant is likely to be disruptive. In summary, the available evidence is currently insufficient to determine the role of this variant in disease. Therefore, it has been classified as a Variant of Uncertain Significance.

NM_000355.4(TCN2):c.46_47delinsTT (p.Ala16Phe)

Genes: TCN2 (transcobalamin 2; plus strand), LOC121853040 (Sharpr-MPRA regulatory region 10016; plus strand). Cytogenetic location: 22q12.2.
Variant type: Indel.
Coding change: c.46_47delinsTT on transcript NM_000355.4 (MANE Select); coding-DNA positions 46 to 47, GC replaced by TT.
Protein change: p.Ala16Phe; replaces alanine 16 with phenylalanine.
Molecular consequence: missense variant.
Genome position (GRCh38, 1-based): chr22:30,607,377-30,607,378, GC replaced by TT. VCF-style: chr22-30607377-GC-TT. GRCh37 (hg19) VCF-style: chr22-31003364-GC-TT.
Other names: c.46_47delinsTT, p.Ala16Phe (NM_001184726.2); short protein forms A16F.
Identifiers: ClinVar variation 1365891 (VCV001365891.6), dbSNP rs2145529052, ClinGen allele CA2573158094.